The following is an entry in ClinVar:

ClinVar aggregate classification (germline): Benign/Likely benign. Review status: criteria provided, multiple submitters, no conflicts (2 of 4 stars). 6 submissions from 6 submitters: Benign (2); Likely benign (4). Last evaluated 2026-07-01.

Allele frequency attached by ClinVar (database versions not stated): 1000 Genomes Project 0.00120; 1000 Genomes Project 30x 0.00125; TOPMed 0.00552; gnomAD 0.00623 and 0.00645; ExAC 0.00696; gnomAD exomes 0.00733 and 0.00751; ESP Exome Variant Server 0.00838.
gnomAD v4.1: 11,681 of 1,596,774 alleles (0.73%); highest among the groups gnomAD compares: Non-Finnish European, 0.71%; 87 homozygotes.

Submissions (6):

CeGaT Center for Human Genetics Tuebingen
Classification: Likely benign. Last evaluated: 2026-07-01. Review status: criteria provided, single submitter. Criteria: CeGaT Center For Human Genetics Tuebingen Variant Classification Criteria Version 2. Collection method: clinical testing. Allele origin: germline. Affected: yes. Observed: 10 variant alleles.
Comment: GANAB: BP4, BP7, BS2

Labcorp Genetics (formerly Invitae), Labcorp
Classification: Benign. Last evaluated: 2026-01-27. Review status: criteria provided, single submitter. Criteria: Invitae Variant Classification Sherloc (09022015). Collection method: clinical testing. Allele origin: germline.

Blueprint Genetics
Classification: Likely benign. Last evaluated: 2024-11-27. Review status: criteria provided, single submitter. Criteria: ACMG Guidelines, 2015. Collection method: clinical testing. Allele origin: germline.

Mayo Clinic Laboratories, Mayo Clinic
Classification: Benign. Last evaluated: 2022-03-09. Review status: criteria provided, single submitter. Criteria: ACMG Guidelines, 2015. Collection method: clinical testing. Allele origin: germline. Observed: 5 variant alleles.

GeneDx
Classification: Likely benign. Last evaluated: 2021-02-01. Review status: criteria provided, single submitter. Criteria: GeneDx Variant Classification Process June 2021. Collection method: clinical testing. Allele origin: germline. Affected: yes.

Breakthrough Genomics
Classification: Likely benign. Review status: criteria provided, single submitter. Criteria: ACMG Guidelines, 2015. Collection method: not provided. Allele origin: germline. Inheritance: Autosomal dominant inheritance. Affected: yes.

NM_198334.3(GANAB):c.1026G>T (p.Leu342=)

Gene: GANAB (glucosidase II alpha subunit; minus strand). Cytogenetic location: 11q12.3.
Variant type: single nucleotide variant.
Coding change: c.1026G>T on transcript NM_198334.3 (MANE Select); coding-DNA position 1026, G replaced by T.
Protein change: p.Leu342=; no amino-acid change (leucine 342 retained).
Molecular consequence: synonymous variant.
Genome position (GRCh38, 1-based): chr11:62,631,154, C>A on the plus strand (G>T on the coding strand, the complement: GANAB is on the minus strand). VCF-style: chr11-62631154-C-A. GRCh37 (hg19) VCF-style: chr11-62398626-C-A.
Other names: p.Leu364=; c.750G>T, p.Leu250= (NM_001278192.2); c.684G>T, p.Leu228= (NM_001278193.2); c.735G>T, p.Leu245= (NM_001278194.2, NM_001329222.2, NM_001329223.2); c.303G>T, p.Leu101= (NM_001329224.2, NM_001329225.2); c.1092G>T, p.Leu364= (NM_198335.4).
Identifiers: ClinVar variation 779263 (VCV000779263.42), dbSNP rs147084598, ClinGen allele CA6050879.